The following is an entry in ClinVar:

ClinVar aggregate classification (germline): Uncertain significance (1 of 4 stars; one submission).

Allele frequency attached by ClinVar (database versions not stated): gnomAD exomes below 0.00001 and 0.00001.
gnomAD v4.1: 15 of 1,613,774 alleles (0.00093%); highest among the groups gnomAD compares: African/African-American, 0.0013%; no homozygotes.

Submission:

GeneDx
Classification: Uncertain significance. Last evaluated: 2022-01-25. Review status: criteria provided, single submitter. Criteria: GeneDx Variant Classification Process June 2021. Collection method: clinical testing. Allele origin: germline. Affected: yes.
Comment: In silico analysis supports that this missense variant does not alter protein structure/function; Has not been previously published as pathogenic or benign to our knowledge

NM_182641.4(BPTF):c.4100T>C (p.Leu1367Ser)

Gene: BPTF (bromodomain PHD finger transcription factor; plus strand). Cytogenetic location: 17q24.2.
Variant type: single nucleotide variant.
Coding change: c.4100T>C on transcript NM_182641.4 (MANE Select); coding-DNA position 4100, T replaced by C.
Protein change: p.Leu1367Ser; replaces leucine 1367 with serine.
Molecular consequence: missense variant.
Genome position (GRCh38, 1-based): chr17:67,911,984, T>C. VCF-style: chr17-67911984-T-C. GRCh37 (hg19) VCF-style: chr17-65908100-T-C.
Other names: c.4478T>C, p.Leu1493Ser (NM_004459.7); short protein forms L1367S, L1493S.
Identifiers: ClinVar variation 1699830 (VCV001699830.2), dbSNP rs1398890383, ClinGen allele CA400728721.